The following is an entry in ClinVar:

NM_017807.4(OSGEP):c.791G>C (p.Gly264Ala)

Gene: OSGEP (O-sialoglycoprotein endopeptidase; minus strand). Cytogenetic location: 14q11.2.
Variant type: single nucleotide variant.
Coding change: c.791G>C on transcript NM_017807.4 (MANE Select); coding-DNA position 791, G replaced by C.
Protein change: p.Gly264Ala; replaces glycine 264 with alanine.
Molecular consequence: missense variant.
Genome position (GRCh38, 1-based): chr14:20,447,906, C>G on the plus strand (G>C on the coding strand, the complement: OSGEP is on the minus strand). VCF-style: chr14-20447906-C-G. GRCh37 (hg19) VCF-style: chr14-20916065-C-G.
Other names: short protein forms G264A.
Identifiers: ClinVar variation 1916163 (VCV001916163.4), dbSNP rs763403108, ClinGen allele CA7081091.

ClinVar aggregate classification (germline): Uncertain significance (1 of 4 stars; one submission).

Allele frequency attached by ClinVar (database versions not stated): TOPMed below 0.00001; ExAC 0.00006.

Submission:

Labcorp Genetics (formerly Invitae), Labcorp
Classification: Uncertain significance. Last evaluated: 2025-01-06. Review status: criteria provided, single submitter. Criteria: Invitae Variant Classification Sherloc (09022015). Collection method: clinical testing. Allele origin: germline.
Comment: This sequence change replaces glycine, which is neutral and non-polar, with alanine, which is neutral and non-polar, at codon 264 of the OSGEP protein (p.Gly264Ala). This variant is present in population databases (rs763403108, gnomAD 0.05%). This variant has not been reported in the literature in individuals affected with OSGEP-related conditions. ClinVar contains an entry for this variant (Variation ID: 1916163). An algorithm developed to predict the effect of missense changes on protein structure and function (PolyPhen-2) suggests that this variant is likely to be disruptive. In summary, the available evidence is currently insufficient to determine the role of this variant in disease. Therefore, it has been classified as a Variant of Uncertain Significance.